The following is an entry in ClinVar:

NM_001256071.3(RNF213):c.4907C>T (p.Thr1636Met)

Gene: RNF213 (ring finger protein 213; plus strand). Cytogenetic location: 17q25.3.
Variant type: single nucleotide variant.
Coding change: c.4907C>T on transcript NM_001256071.3 (MANE Select); coding-DNA position 4907, C replaced by T.
Protein change: p.Thr1636Met; replaces threonine 1636 with methionine.
Molecular consequence: missense variant.
Genome position (GRCh38, 1-based): chr17:80,339,274, C>T. VCF-style: chr17-80339274-C-T. GRCh37 (hg19) VCF-style: chr17-78313074-C-T.
Other names: c.5054C>T, p.Thr1685Met (NM_001410195.1, NM_020914.5); short protein forms T1636M, T1685M.
Identifiers: ClinVar variation 2968377 (VCV002968377.3), dbSNP rs139934539, ClinGen allele CA294911851.
Genomic context (GRCh38, chr17:80,339,274, plus strand): 5'-TGCAGAGGCTCAGCCAGGCCTTCATCGACCTGCACTCTGCTGGGAATATGCTGTTCAGGA[C>T]GTGGATCGCCATGGCCTACTGCTCCCCCAAGCAGGGTGTGTCCCTCCAAATGGACTTTGG-3'
Protein context (NP_001243000.2, residues 1626-1646): LHSAGNMLFR[Thr1636Met]WIAMAYCSPK

ClinVar aggregate classification (germline): Uncertain significance (1 of 4 stars; one submission).

Allele frequency attached by ClinVar (database versions not stated): gnomAD 0.00003; gnomAD exomes 0.00003; TOPMed 0.00005; 1000 Genomes Project 30x 0.00031; 1000 Genomes Project 0.00040.
gnomAD v4.1: 46 of 1,533,716 alleles (0.003%); highest among the groups gnomAD compares: African/African-American, 0.0096%; no homozygotes.

Submission:

Labcorp Genetics (formerly Invitae), Labcorp
Classification: Uncertain significance. Last evaluated: 2024-09-05. Review status: criteria provided, single submitter. Criteria: Invitae Variant Classification Sherloc (09022015). Collection method: clinical testing. Allele origin: germline.
Comment: This sequence change replaces threonine, which is neutral and polar, with methionine, which is neutral and non-polar, at codon 1636 of the RNF213 protein (p.Thr1636Met). This variant is present in population databases (rs139934539, gnomAD 0.01%). This variant has not been reported in the literature in individuals affected with RNF213-related conditions. An algorithm developed to predict the effect of missense changes on protein structure and function (PolyPhen-2) suggests that this variant is likely to be disruptive. In summary, the available evidence is currently insufficient to determine the role of this variant in disease. Therefore, it has been classified as a Variant of Uncertain Significance.